The following is an entry in ClinVar:

ClinVar aggregate classification (germline): Uncertain significance (1 of 4 stars; one submission).

gnomAD v4.1: 69 of 1,600,248 alleles (0.0043%); highest among the groups gnomAD compares: Admixed American, 0.017%; no homozygotes.

Submission:

CeGaT Center for Human Genetics Tuebingen
Classification: Uncertain significance. Last evaluated: 2026-01-01. Review status: criteria provided, single submitter. Criteria: CeGaT Center For Human Genetics Tuebingen Variant Classification Criteria Version 2. Collection method: clinical testing. Allele origin: germline. Affected: yes. Observed: 1 variant allele.
Comment: LAMA5: PM2, BP4

NM_005560.6(LAMA5):c.6298C>T (p.Arg2100Cys)

Gene: LAMA5 (laminin subunit alpha 5; minus strand). Cytogenetic location: 20q13.33.
Variant type: single nucleotide variant.
Coding change: c.6298C>T on transcript NM_005560.6 (MANE Select); coding-DNA position 6298, C replaced by T.
Protein change: p.Arg2100Cys; replaces arginine 2100 with cysteine.
Molecular consequence: missense variant.
Genome position (GRCh38, 1-based): chr20:62,322,317, G>A on the plus strand (C>T on the coding strand, the complement: LAMA5 is on the minus strand). VCF-style: chr20-62322317-G-A. GRCh37 (hg19) VCF-style: chr20-60897373-G-A.
Other names: short protein forms R2100C.
Identifiers: ClinVar variation 4821644 (VCV004821644.4).